The following is an entry in ClinVar:

NM_006946.4(SPTBN2):c.6378C>T (p.Thr2126=)

Gene: SPTBN2 (spectrin beta, non-erythrocytic 2; minus strand). Cytogenetic location: 11q13.2.
Variant type: single nucleotide variant.
Coding change: c.6378C>T on transcript NM_006946.4 (MANE Select); coding-DNA position 6378, C replaced by T.
Protein change: p.Thr2126=; no amino-acid change (threonine 2126 retained).
Molecular consequence: synonymous variant.
Genome position (GRCh38, 1-based): chr11:66,688,076, G>A on the plus strand (C>T on the coding strand, the complement: SPTBN2 is on the minus strand). VCF-style: chr11-66688076-G-A. GRCh37 (hg19) VCF-style: chr11-66455547-G-A.
Other names: c.6378C>T (NM_006946.2).
Identifiers: ClinVar variation 1566312 (VCV001566312.14), dbSNP rs770472919, ClinGen allele CA6127948.
Genomic context (GRCh38, chr11:66,688,076, plus strand): 5'-TCCATCTGTGCAGACTCCATTAACACTGGGTGCTTGTGTGGATGGTGGTGGCCGTGGCTG[G>A]GTTCTGGGATGACCAAAGGCAACACAGAATCATTAGTCCCTGGGTGGCCTGGGCTCAGCC-3'
Protein context (NP_008877.2, residues 2116-2136): QTASDTTWDG[Thr2126=]QPRPPPSTQA

ClinVar aggregate classification (germline): Likely benign. Review status: criteria provided, multiple submitters, no conflicts (2 of 4 stars). 3 submissions from 3 submitters: Likely benign (3). Last evaluated 2025-11-01.

Allele frequency attached by ClinVar (database versions not stated): ExAC 0.00002; gnomAD exomes 0.00003 and 0.00005.
gnomAD v4.1: 75 of 1,609,504 alleles (0.0047%); highest among the groups gnomAD compares: Middle Eastern, 0.016%; no homozygotes.

Submissions (3):

CeGaT Center for Human Genetics Tuebingen
Classification: Likely benign. Last evaluated: 2025-11-01. Review status: criteria provided, single submitter. Criteria: CeGaT Center For Human Genetics Tuebingen Variant Classification Criteria Version 2. Collection method: clinical testing. Allele origin: germline. Affected: yes. Observed: 1 variant allele.
Comment: SPTBN2: BP4, BP7

Women's Health and Genetics/Laboratory Corporation of America, LabCorp
Classification: Likely benign. Last evaluated: 2023-09-12. Review status: criteria provided, single submitter. Criteria: LabCorp Variant Classification Summary - May 2015. Collection method: clinical testing. Allele origin: germline.

Labcorp Genetics (formerly Invitae), Labcorp
Classification: Likely benign. Last evaluated: 2021-11-28. Review status: criteria provided, single submitter. Criteria: Invitae Variant Classification Sherloc (09022015). Collection method: clinical testing. Allele origin: germline.